The following is an entry in ClinVar:

ClinVar aggregate classification (germline): Uncertain significance. Review status: criteria provided, multiple submitters, no conflicts (2 of 4 stars). 2 submissions from 2 submitters: Uncertain significance (2). Last evaluated 2025-11-26.

gnomAD v4.1: 5 of 1,614,128 alleles (0.00031%); highest among the groups gnomAD compares: South Asian, 0.0011%; no homozygotes.

Submissions (2):

Women's Health and Genetics/Laboratory Corporation of America, LabCorp
Classification: Uncertain significance. Last evaluated: 2025-11-26. Review status: criteria provided, single submitter. Criteria: LabCorp Variant Classification Summary - May 2015. Collection method: clinical testing. Allele origin: germline.
Comment: Variant summary: GLI2 c.1369-5G>A alters a nucleotide located at a position not widely known to affect splicing. Several computational tools predict a significant impact on normal splicing: Three predict the variant creates a 3' acceptor site. Two predict the variant weakens a 3' acceptor site. One predict the variant abolishes a 3' acceptor site. However, these predictions have yet to be confirmed by functional studies. The variant allele was found at a frequency of 4e-06 in 251360 control chromosomes. The available data on variant occurrences in the general population are insufficient to allow any conclusion about variant significance. To our knowledge, no occurrence of c.1369-5G>A in individuals affected with GLI2-related conditions and no experimental evidence demonstrating its impact on protein function have been reported. No submitters have cited clinical-significance assessments for this variant to ClinVar. Based on the evidence outlined above, the variant was classified as uncertain significance.

Blueprint Genetics
Classification: Uncertain significance. Last evaluated: 2024-07-15. Review status: criteria provided, single submitter. Criteria: ACMG Guidelines, 2015. Collection method: clinical testing. Allele origin: germline.

NM_001374353.1(GLI2):c.1318-5G>A

Gene: GLI2 (GLI family zinc finger 2; plus strand). Cytogenetic location: 2q14.2.
Variant type: single nucleotide variant.
Coding change: c.1318-5G>A on transcript NM_001374353.1 (MANE Select); 5 bases into the intron before coding-DNA position 1318, G replaced by A.
Molecular consequence: intron variant.
Genome position (GRCh38, 1-based): chr2:120,978,429, G>A. VCF-style: chr2-120978429-G-A. GRCh37 (hg19) VCF-style: chr2-121736005-G-A.
Other names: c.1369-5G>A (NM_001371271.1, NM_005270.5); c.943-5G>A (NM_001374354.1).
Identifiers: ClinVar variation 4536915 (VCV004536915.2).
Genomic context (GRCh38, chr2:120,978,429, plus strand): 5'-CAGCAGGGGGTGGTCTGTGGGCCTCTGGCCCTGCTTACCCTCTTCTGGGCATGTCCCTCC[G>A]GCAGCACATCAACAACGAGCACATCCACGGGGAGAAGAAGGAGTTTGTGTGCCGCTGGCA-3'